The following is an entry in ClinVar:

ClinVar aggregate classification (germline): Likely benign (1 of 4 stars; one submission).

Conditions:
Autosomal recessive polycystic kidney disease (ARPKD). Also called: AR polycystic kidney disease. Identifiers: Orphanet 731, Orphanet 8378, MedGen C0085548, MeSH D017044, MONDO:0009889.

Allele frequency attached by ClinVar (database versions not stated): gnomAD exomes 0.00158; 1000 Genomes Project 0.00998; 1000 Genomes Project 30x 0.01046; gnomAD 0.01120 and 0.01218; TOPMed 0.01291.
gnomAD v4.1: 1,896 of 274,524 alleles (0.69%); highest among the groups gnomAD compares: African/African-American, 3.8%; 44 homozygotes.

Submission:

Illumina Laboratory Services, Illumina
Classification: Likely benign for Polycystic kidney disease 4. Last evaluated: 2018-01-13. Review status: criteria provided, single submitter. Criteria: ICSL Variant Classification Criteria 13 December 2019. Collection method: clinical testing. Allele origin: germline.
Comment: This variant was observed in the ICSL laboratory as part of a predisposition screen in an ostensibly healthy population. It had not been previously curated by ICSL or reported in the Human Gene Mutation Database (HGMD: prior to June 1st, 2018), and was therefore a candidate for classification through an automated scoring system. Utilizing variant allele frequency, disease prevalence and penetrance estimates, and inheritance mode, an automated score was calculated to assess if this variant is too frequent to cause the disease. Based on the score and internal cut-off values, a variant classified as likely benign is not then subjected to further curation. The score for this variant resulted in a classification of likely benign for this disease.

NM_138694.4(PKHD1):c.*2082A>G

Gene: PKHD1 (PKHD1 ciliary IPT domain containing fibrocystin/polyductin; minus strand). Cytogenetic location: 6p12.3.
Variant type: single nucleotide variant.
Coding change: c.*2082A>G on transcript NM_138694.4 (MANE Select); 2082 bases downstream of the stop codon, A replaced by G.
Molecular consequence: 3 prime UTR variant.
Genome position (GRCh38, 1-based): chr6:51,616,999, T>C on the plus strand (A>G on the coding strand, the complement: PKHD1 is on the minus strand). VCF-style: chr6-51616999-T-C. GRCh37 (hg19) VCF-style: chr6-51481797-T-C.
Identifiers: ClinVar variation 357375 (VCV000357375.5), dbSNP rs79635571, ClinGen allele CA10627172.